The following is an entry in ClinVar:

NM_182641.4(BPTF):c.1489A>G (p.Lys497Glu)

Gene: BPTF (bromodomain PHD finger transcription factor; plus strand). Cytogenetic location: 17q24.2.
Variant type: single nucleotide variant.
Coding change: c.1489A>G on transcript NM_182641.4 (MANE Select); coding-DNA position 1489, A replaced by G.
Protein change: p.Lys497Glu; replaces lysine 497 with glutamic acid.
Molecular consequence: missense variant.
Genome position (GRCh38, 1-based): chr17:67,866,516, A>G. VCF-style: chr17-67866516-A-G. GRCh37 (hg19) VCF-style: chr17-65862632-A-G.
Other names: c.1489A>G, p.Lys497Glu (NM_001439139.1, NM_001439140.1, NM_001439141.1 and 4 more transcripts); short protein forms K497E.
Identifiers: ClinVar variation 4598553 (VCV004598553.2).

ClinVar aggregate classification (germline): Uncertain significance. Review status: criteria provided, multiple submitters, no conflicts (2 of 4 stars). 2 submissions from 2 submitters: Uncertain significance (2). Last evaluated 2025-09-27.

Conditions:
Inborn genetic diseases. Identifiers: MedGen C0950123, MeSH D030342.
BPTF-related disorder. Also called: BPTF-related condition.

gnomAD v4.1: 3 of 1,614,172 alleles (0.00019%); highest among the groups gnomAD compares: Non-Finnish European, 0.000085%; no homozygotes.

Submissions (2):

Ambry Genetics
Classification: Uncertain significance for Inborn genetic diseases. Last evaluated: 2025-09-27. Review status: criteria provided, single submitter. Criteria: Ambry Variant Classification Scheme 2023. Collection method: clinical testing. Allele origin: germline.

PreventionGenetics, part of Exact Sciences
Classification: Uncertain significance for BPTF-related condition. Last evaluated: 2025-01-08. Review status: criteria provided, single submitter. Criteria: ACMG Guidelines, 2015. Collection method: clinical testing. Allele origin: germline.
Comment: The BPTF c.1489A>G variant is predicted to result in the amino acid substitution p.Lys497Glu. To our knowledge, this variant has not been reported in the literature or in a large population database (gnomAD), indicating this variant is rare. At this time, the clinical significance of this variant is uncertain due to the absence of conclusive functional and genetic evidence.